The following is an entry in ClinVar:

NM_138713.4(NFAT5):c.461C>T (p.Pro154Leu)

Gene: NFAT5 (nuclear factor of activated T cells 5; plus strand). Cytogenetic location: 16q22.1.
Variant type: single nucleotide variant.
Coding change: c.461C>T on transcript NM_138713.4 (MANE Select); coding-DNA position 461, C replaced by T.
Protein change: p.Pro154Leu; replaces proline 154 with leucine.
Molecular consequence: missense variant. On other transcripts: intron variant (1).
Genome position (GRCh38, 1-based): chr16:69,647,235, C>T. VCF-style: chr16-69647235-C-T. GRCh37 (hg19) VCF-style: chr16-69681138-C-T.
Other names: c.461C>T, p.Pro154Leu (NM_001113178.3); c.407C>T, p.Pro136Leu (NM_006599.4); c.179C>T, p.Pro60Leu (NM_138714.4, NM_173214.3, NM_173215.3); c.140+68C>T (NM_001367709.1); short protein forms P136L, P154L, P60L.
Identifiers: ClinVar variation 1053442 (VCV001053442.9), dbSNP rs1029531992, ClinGen allele CA283342913.
Genomic context (GRCh38, chr16:69,647,235, plus strand): 5'-ACAGAGGGGTAAGTGAAAAGCAGTTAACCAGTAACACAGTTCAGCAGCATCCATCAACAC[C>T]GAAGAGGCACACAGTCTTGTACATCTCACCACCACCTGAGGACTTGCTGGATAACAGTCG-3'
Protein context (NP_619727.2, residues 144-164): SNTVQQHPST[Pro154Leu]KRHTVLYISP

ClinVar aggregate classification (germline): Uncertain significance (1 of 4 stars; one submission).

Conditions:
Immunodeficiency. Identifiers: MedGen C0021051, MONDO:0021094, HP:0002721.

Allele frequency attached by ClinVar (database versions not stated): gnomAD exomes below 0.00001; gnomAD 0.00001; TOPMed 0.00001.
gnomAD v4.1: 3 of 1,613,928 alleles (0.00019%); highest among the groups gnomAD compares: Non-Finnish European, 0.00025%; no homozygotes.

Submission:

Labcorp Genetics (formerly Invitae), Labcorp
Classification: Uncertain significance for Immunodeficiency. Last evaluated: 2025-04-27. Review status: criteria provided, single submitter. Criteria: Invitae Variant Classification Sherloc (09022015). Collection method: clinical testing. Allele origin: germline.
Comment: This sequence change replaces proline, which is neutral and non-polar, with leucine, which is neutral and non-polar, at codon 60 of the NFAT5 protein (p.Pro60Leu). This variant is not present in population databases (gnomAD no frequency). This variant has not been reported in the literature in individuals affected with NFAT5-related conditions. ClinVar contains an entry for this variant (Variation ID: 1053442). An algorithm developed to predict the effect of missense changes on protein structure and function (PolyPhen-2) suggests that this variant is likely to be disruptive. In summary, the available evidence is currently insufficient to determine the role of this variant in disease. Therefore, it has been classified as a Variant of Uncertain Significance.